The following is an entry in ClinVar:

NM_033026.6(PCLO):c.823C>A (p.Gln275Lys)

Gene: PCLO (piccolo presynaptic cytomatrix protein; minus strand). Cytogenetic location: 7q21.11.
Variant type: single nucleotide variant.
Coding change: c.823C>A on transcript NM_033026.6 (MANE Select); coding-DNA position 823, C replaced by A.
Protein change: p.Gln275Lys; replaces glutamine 275 with lysine.
Molecular consequence: missense variant.
Genome position (GRCh38, 1-based): chr7:83,155,818, G>T on the plus strand (C>A on the coding strand, the complement: PCLO is on the minus strand). VCF-style: chr7-83155818-G-T. GRCh37 (hg19) VCF-style: chr7-82785134-G-T.
Other names: c.823C>A, p.Gln275Lys (NM_014510.3); short protein forms Q275K.
Identifiers: ClinVar variation 2994208 (VCV002994208.3), dbSNP rs1792279644, ClinGen allele CA367919178.

ClinVar aggregate classification (germline): Uncertain significance (1 of 4 stars; one submission).

Submission:

Labcorp Genetics (formerly Invitae), Labcorp
Classification: Uncertain significance. Last evaluated: 2024-01-06. Review status: criteria provided, single submitter. Criteria: Invitae Variant Classification Sherloc (09022015). Collection method: clinical testing. Allele origin: germline.
Comment: This sequence change replaces glutamine, which is neutral and polar, with lysine, which is basic and polar, at codon 275 of the PCLO protein (p.Gln275Lys). This variant is not present in population databases (gnomAD no frequency). This variant has not been reported in the literature in individuals affected with PCLO-related conditions. Experimental studies and prediction algorithms are not available or were not evaluated, and the functional significance of this variant is currently unknown. In summary, the available evidence is currently insufficient to determine the role of this variant in disease. Therefore, it has been classified as a Variant of Uncertain Significance.